The following is an entry in ClinVar:

ClinVar aggregate classification (germline): Uncertain significance. Review status: criteria provided, multiple submitters, no conflicts (2 of 4 stars). 5 submissions from 5 submitters: Uncertain significance (5). Last evaluated 2025-09-03.

Conditions:
Dilated cardiomyopathy 1G (CMD1G). Identifiers: Orphanet 154, MedGen C1858763, MONDO:0011400, OMIM 604145.
Autosomal recessive limb-girdle muscular dystrophy type 2J (LGMDR10). Also called: MUSCULAR DYSTROPHY, LIMB-GIRDLE, AUTOSOMAL RECESSIVE 10; Limb-girdle muscular dystrophy, type 2J. Identifiers: Orphanet 140922, MedGen C1837342, MONDO:0012127, OMIM 608807.
TTN-related disorder. Also called: TTN-related condition; TTN-related disease; TTN-related disorders.

Allele frequency attached by ClinVar (database versions not stated): ExAC 0.00001; gnomAD 0.00003; gnomAD exomes 0.00005 and 0.00008; TOPMed 0.00006.
gnomAD v4.1: 106 of 1,528,934 alleles (0.0069%); highest among the groups gnomAD compares: South Asian, 0.014%; no homozygotes.

Submissions (5):

PreventionGenetics, part of Exact Sciences
Classification: Uncertain significance for TTN-related condition. Last evaluated: 2025-09-03. Review status: criteria provided, single submitter. Criteria: ACMG Guidelines, 2015. Collection method: clinical testing. Allele origin: germline.
Comment: The TTN c.56573G>A variant is predicted to result in the amino acid substitution p.Arg18858Gln. This variant has been reported in an individual with dilated cardiomyopathy (Table S3, Mazzarotto et al. 2020. PubMed ID: 31983221). This variant is reported in 0.0089% of alleles in individuals of European (Non-Finnish) descent in gnomAD. At this time, the clinical significance of this variant is uncertain due to the absence of conclusive functional and genetic evidence.

Revvity Omics, Revvity
Classification: Uncertain significance. Last evaluated: 2024-08-20. Review status: criteria provided, single submitter. Criteria: ACMG Guidelines, 2015. Collection method: clinical testing. Allele origin: germline.

ARUP Laboratories, Molecular Genetics and Genomics, ARUP Laboratories
Classification: Uncertain significance. Last evaluated: 2024-06-11. Review status: criteria provided, single submitter. Criteria: ARUP Molecular Germline Variant Investigation Process 2024. Collection method: clinical testing. Allele origin: germline.
Comment: The TTN c.56573G>A; p.Arg18858Gln variant (rs755848019; ClinVar Variation ID: 535638) is rare in the general population (<0.2% allele frequency in the Genome Aggregation Database) and has not been reported in the medical literature in association with dilated cardiomyopathy (DCM) or other TTN-related disease. The clinical relevance of rare missense variants in this gene, which are identified on average once per individual sequenced in affected populations (Herman 2012), is not well understood. Yet, evidence suggests that the vast majority of such missense variants do not contribute to the clinical outcome of DCM (Begay 2015). Thus, the clinical significance of the p.Arg18858Gln variant cannot be determined with certainty.

Kariminejad - Najmabadi Pathology & Genetics Center
Classification: Uncertain significance. Last evaluated: 2022-07-30. Review status: criteria provided, single submitter. Criteria: ACMG Guidelines, 2015. Collection method: clinical testing. Allele origin: germline. Inheritance: Autosomal dominant inheritance. Affected: yes.
Comment: PM2

Labcorp Genetics (formerly Invitae), Labcorp
Classification: Uncertain significance for Dilated cardiomyopathy 1G; Autosomal recessive limb-girdle muscular dystrophy type 2J. Last evaluated: 2017-12-09. Review status: criteria provided, single submitter. Criteria: Invitae Variant Classification Sherloc (09022015). Collection method: clinical testing. Allele origin: germline.

NM_001267550.2(TTN):c.56573G>A (p.Arg18858Gln)

Genes: TTN (titin; minus strand), TTN-AS1 (TTN antisense RNA 1; plus strand). Cytogenetic location: 2q31.2.
Variant type: single nucleotide variant.
Coding change: c.56573G>A on transcript NM_001267550.2 (MANE Select); coding-DNA position 56573, G replaced by A.
Protein change: p.Arg18858Gln; replaces arginine 18858 with glutamine.
Molecular consequence: missense variant.
Genome position (GRCh38, 1-based): chr2:178,599,220, C>T on the plus strand (G>A on the coding strand, the complement: TTN is on the minus strand). VCF-style: chr2-178599220-C-T. GRCh37 (hg19) VCF-style: chr2-179463947-C-T.
Other names: c.51650G>A, p.Arg17217Gln (NM_001256850.1); c.29378G>A, p.Arg9793Gln (NM_003319.4); c.48869G>A, p.Arg16290Gln (NM_133378.4); c.29753G>A, p.Arg9918Gln (NM_133432.3); c.29954G>A, p.Arg9985Gln (NM_133437.4); short protein forms R18858Q, R9918Q, R9985Q, R16290Q, R17217Q, R9793Q.
Identifiers: ClinVar variation 535638 (VCV000535638.9), dbSNP rs755848019, ClinGen allele CA1993227.
Genomic context (GRCh38, chr2:178,599,220, plus strand): 5'-GCTGTTTCAGGTTCACTGTCAAGAGGTTCTCCAATGCCATATTTATTCTGGGCCATGATT[C>T]GGAATACATATTCATGGCCTTCTAGCAATTTGGGAATCGTGTACGTGCACTCCTTAGGTT-3'
Protein context (NP_001254479.2, residues 18848-18868): KLLEGHEYVF[Arg18858Gln]IMAQNKYGIG